The following is an entry in ClinVar:

NM_015488.5(PNKD):c.670C>T (p.Leu224=)

Genes: CATIP-AS2 (CATIP antisense RNA 2; minus strand), PNKD (PNKD metallo-beta-lactamase domain containing; plus strand). Cytogenetic location: 2q35.
Variant type: single nucleotide variant.
Coding change: c.670C>T on transcript NM_015488.5 (MANE Select); coding-DNA position 670, C replaced by T.
Protein change: p.Leu224=; no amino-acid change (leucine 224 retained).
Molecular consequence: synonymous variant.
Genome position (GRCh38, 1-based): chr2:218,342,033, C>T. VCF-style: chr2-218342033-C-T. GRCh37 (hg19) VCF-style: chr2-219206756-C-T.
Other names: c.598C>T, p.Leu200= (NM_022572.5).
Identifiers: ClinVar variation 3241978 (VCV003241978.1), dbSNP rs2469467758.
Genomic context (GRCh38, chr2:218,342,033, plus strand): 5'-TTCCCCAGTCCCCTGTGTCATCAAGATGTGGTCAGCGTGGGACGGCTTCAGATCCGGGCC[C>T]TGGCTACACCTGGCCACACACAAGGCCATCTGGTCTACCTACTGGATGGGGAGCCCTACA-3'
Protein context (NP_056303.3, residues 214-234): VSVGRLQIRA[Leu224=]ATPGHTQGHL

ClinVar aggregate classification (germline): Uncertain significance (1 of 4 stars; one submission).

Conditions:
Paroxysmal nonkinesigenic dyskinesia 1 (PNKD1). Also called: MOUNT-REBACK SYNDROME; Familial Paroxysmal Nonkinesigenic Dyskinesia; PxMD-PNKD; DYSTONIA 8; PAROXYSMAL DYSTONIC CHOREOATHETOSIS; Nonkinesigenic choreoathetosis. Identifiers: Orphanet 98810, MedGen C4551506, MONDO:0700089, OMIM 118800, MONDO:0007326.

Submission:

Neuberg Centre For Genomic Medicine, NCGM
Classification: Uncertain significance for Paroxysmal nonkinesigenic dyskinesia 1. Review status: criteria provided, single submitter. Criteria: ACMG Guidelines, 2015. Collection method: clinical testing. Allele origin: germline. Inheritance: Autosomal dominant inheritance. Affected: yes.
Comment: The observed synonymous c.670C>T (p.Leu224) variant in PNKD gene has not been reported previously as a pathogenic variant nor as a benign variant, to our knowledge. The p.Leu224 variant is absent in gnomAD Exomes. This variant has not been submitted to the ClinVar database. This synonymous variant did not affect the splice site, therefore functional studies will be required to prove the pathogenicity of this variant. For these reasons, this variant has been classified as Variant of Uncertain Significance (VUS).